The following is an entry in ClinVar:

ClinVar aggregate classification (germline): Uncertain significance. Review status: criteria provided, multiple submitters, no conflicts (2 of 4 stars). 5 submissions from 5 submitters: Uncertain significance (5). Last evaluated 2026-04-21.

Conditions:
Chuvash polycythemia. Also called: POLYCYTHEMIA, VHL-DEPENDENT. Identifiers: Orphanet 238557, MedGen C1837915, MONDO:0009892, OMIM 263400.
Von Hippel-Lindau syndrome (VHLS). Also called: von Hippel–Lindau syndrome; VHL syndrome; Von Hippel-Lindau. Identifiers: Orphanet 892, MedGen C0019562, MONDO:0008667, OMIM 193300. Disease mechanism: loss of function.
Hereditary cancer-predisposing syndrome. Also called: Hereditary Cancer Syndrome; Tumor predisposition; Hereditary neoplastic syndrome; Neoplastic Syndromes, Hereditary. Identifiers: Orphanet 140162, MedGen C0027672, MeSH D009386, MONDO:0015356.
Pheochromocytoma. Also called: MAX-Related Hereditary Paraganglioma-Pheochromocytoma Syndrome. Identifiers: Orphanet 29072, MedGen C0031511, MONDO:0008233, OMIM 171300, HP:0002666.
Nonpapillary renal cell carcinoma. Identifiers: Orphanet 422526, MedGen CN074294, MONDO:0007763, OMIM 144700.

Allele frequency attached by ClinVar (database versions not stated): gnomAD 0.00001; gnomAD exomes below 0.00001; TOPMed below 0.00001.
gnomAD v4.1: 5 of 1,613,894 alleles (0.00031%); highest among the groups gnomAD compares: South Asian, 0.0022%; no homozygotes.

Submissions (5):

Ambry Genetics
Classification: Uncertain significance for Hereditary cancer-predisposing syndrome. Last evaluated: 2026-04-21. Review status: criteria provided, single submitter. Criteria: Ambry Variant Classification Scheme 2023. Collection method: clinical testing. Allele origin: germline.
Comment: The p.N141S variant (also known as c.422A>G), located in coding exon 2 of the VHL gene, results from an A to G substitution at nucleotide position 422. The asparagine at codon 141 is replaced by serine, an amino acid with highly similar properties. This variant was determined to be functionally neutral in one saturation genome editing assay (Buckley M et al. Nat Genet, 2024 Jul;56:1446-1455). This amino acid position is well conserved in available vertebrate species. In addition, the in silico prediction for this alteration is inconclusive. Based on the available evidence, the clinical significance of this variant remains unclear.

Labcorp Genetics (formerly Invitae), Labcorp
Classification: Uncertain significance for Von Hippel-Lindau syndrome; Chuvash polycythemia. Last evaluated: 2024-12-12. Review status: criteria provided, single submitter. Criteria: Invitae Variant Classification Sherloc (09022015). Collection method: clinical testing. Allele origin: germline.
Comment: This sequence change replaces asparagine, which is neutral and polar, with serine, which is neutral and polar, at codon 141 of the VHL protein (p.Asn141Ser). This variant is not present in population databases (gnomAD no frequency). This variant has not been reported in the literature in individuals affected with VHL-related conditions. ClinVar contains an entry for this variant (Variation ID: 423677). Invitae Evidence Modeling of protein sequence and biophysical properties (such as structural, functional, and spatial information, amino acid conservation, physicochemical variation, residue mobility, and thermodynamic stability) indicates that this missense variant is expected to disrupt VHL protein function with a positive predictive value of 95%. In summary, the available evidence is currently insufficient to determine the role of this variant in disease. Therefore, it has been classified as a Variant of Uncertain Significance.

Baylor Genetics
Classification: Uncertain significance for Chuvash polycythemia. Last evaluated: 2024-03-28. Review status: criteria provided, single submitter. Criteria: ACMG Guidelines, 2015. Collection method: clinical testing. Allele origin: unknown.

Fulgent Genetics
Classification: Uncertain significance for Nonpapillary renal cell carcinoma; Pheochromocytoma; Von Hippel-Lindau syndrome; Chuvash polycythemia. Last evaluated: 2022-03-06. Review status: criteria provided, single submitter. Criteria: ACMG Guidelines, 2015. Collection method: clinical testing. Allele origin: unknown.

GeneDx
Classification: Uncertain significance. Last evaluated: 2017-02-16. Review status: criteria provided, single submitter. Criteria: GeneDx Variant Classification (06012015). Collection method: clinical testing. Allele origin: germline. Affected: yes.
Comment: This variant is denoted VHL c.422A>G at the cDNA level, p.Asn141Ser (N141S) at the protein level, and results in the change of an Asparagine to a Serine (AAT>AGT). This variant has not, to our knowledge, been published in the literature as either a pathogenic or benign germline variant. However, it has been reported as a somatic variant in a clear cell renal carcinoma (Khaliq 2014). VHL Asn141Ser was not observed in approximately 6,500 individuals of European and African American ancestry in the NHLBI Exome Sequencing Project, suggesting it is not a common benign variant in these populations. Since Asparagine and Serine share similar properties, this is considered a conservative amino acid substitution. VHL Asn141Ser occurs at a position that is conserved in mammals and is located in the region involved in binding to the CCT complex, the beta-domain which interacts with the hydroxylated oxygen-dependent degradation domain of HIF-alpha subunits, and is involved in nuclear export (Yuen 2009, UniProt). In silico analyses are inconsistent regarding the effect this variant may have on protein structure and function. Based on currently available evidence, it is unclear whether VHL Asn141Ser is a pathogenic or benign variant. We consider it to be a variant of uncertain significance.

Literature cited by the submitters: PubMed 38969834 (cited by Ambry Genetics).

NM_000551.4(VHL):c.422A>G (p.Asn141Ser)

Genes: VHL (von Hippel-Lindau tumor suppressor; plus strand), LOC107303340 (3p25 von Hippel-Lindau tumor suppressor, E3 ubiquitin protein ligase Alu-mediated recombination region; plus strand). Cytogenetic location: 3p25.3.
Variant type: single nucleotide variant.
Coding change: c.422A>G on transcript NM_000551.4 (MANE Select); coding-DNA position 422, A replaced by G.
Protein change: p.Asn141Ser; replaces asparagine 141 with serine.
Molecular consequence: missense variant. On other transcripts: intron variant (2).
Genome position (GRCh38, 1-based): chr3:10,146,595, A>G. VCF-style: chr3-10146595-A-G. GRCh37 (hg19) VCF-style: chr3-10188279-A-G.
Other names: c.*18-3192A>G (NM_001354723.2); c.341-3192A>G (NM_198156.3); short protein forms N141S.
Identifiers: ClinVar variation 423677 (VCV000423677.20), dbSNP rs1064796570, ClinGen allele CA16617790.
Genomic context (GRCh38, chr3:10,146,595, plus strand): 5'-ATGCAGGGACACACGATGGGCTTCTGGTTAACCAAACTGAATTATTTGTGCCATCTCTCA[A>G]TGTTGACGGACAGCCTATTTTTGCCAATATCACACTGCCAGGTACTGACGTTTTACTTTT-3'
Protein context (NP_000542.1, residues 131-151): NQTELFVPSL[Asn141Ser]VDGQPIFANI